The following is an entry in ClinVar:

NM_001130823.3(DNMT1):c.3467G>A (p.Arg1156Gln)

Gene: DNMT1 (DNA methyltransferase 1; minus strand). Cytogenetic location: 19p13.2.
Variant type: single nucleotide variant.
Coding change: c.3467G>A on transcript NM_001130823.3 (MANE Select); coding-DNA position 3467, G replaced by A.
Protein change: p.Arg1156Gln; replaces arginine 1156 with glutamine.
Molecular consequence: missense variant.
Genome position (GRCh38, 1-based): chr19:10,140,837, C>T on the plus strand (G>A on the coding strand, the complement: DNMT1 is on the minus strand). VCF-style: chr19-10140837-C-T. GRCh37 (hg19) VCF-style: chr19-10251513-C-T.
Other names: p.Arg1156Gln; c.3419G>A, p.Arg1140Gln (NM_001318730.2, NM_001379.4); c.3104G>A, p.Arg1035Gln (NM_001318731.2); short protein forms R1035Q, R1140Q, R1156Q.
Identifiers: ClinVar variation 3380572 (VCV003380572.3).

ClinVar aggregate classification (germline): Uncertain significance. Review status: criteria provided, multiple submitters, no conflicts (2 of 4 stars). 2 submissions from 2 submitters: Uncertain significance (2). Last evaluated 2024-03-05.

Conditions:
Hereditary sensory neuropathy-deafness-dementia syndrome. Also called: Hereditary Sensory and Autonomic Neuropathy Type 1E (HSAN1E); HSN IE; NEUROPATHY, HEREDITARY SENSORY, WITH HEARING LOSS AND DEMENTIA; Hereditary sensory neuropathy type IE. Identifiers: Orphanet 456318, MedGen C3279885, MONDO:0013584, OMIM 614116.

gnomAD v4.1: 6 of 1,614,164 alleles (0.00037%); highest among the groups gnomAD compares: Non-Finnish European, 0.00051%; no homozygotes.

Submissions (2):

Labcorp Genetics (formerly Invitae), Labcorp
Classification: Uncertain significance for Hereditary sensory neuropathy-deafness-dementia syndrome. Last evaluated: 2024-03-05. Review status: criteria provided, single submitter. Criteria: Invitae Variant Classification Sherloc (09022015). Collection method: clinical testing. Allele origin: germline.
Comment: This sequence change replaces arginine, which is basic and polar, with glutamine, which is neutral and polar, at codon 1156 of the DNMT1 protein (p.Arg1156Gln). This variant is present in population databases (rs767421908, gnomAD 0.002%). This variant has not been reported in the literature in individuals affected with DNMT1-related conditions. Advanced modeling of protein sequence and biophysical properties (such as structural, functional, and spatial information, amino acid conservation, physicochemical variation, residue mobility, and thermodynamic stability) performed at Invitae indicates that this missense variant is not expected to disrupt DNMT1 protein function with a negative predictive value of 80%. In summary, the available evidence is currently insufficient to determine the role of this variant in disease. Therefore, it has been classified as a Variant of Uncertain Significance.

Mayo Clinic Laboratories, Mayo Clinic
Classification: Uncertain significance. Last evaluated: 2023-10-17. Review status: criteria provided, single submitter. Criteria: ACMG Guidelines, 2015. Collection method: clinical testing. Allele origin: germline. Observed: 1 variant allele.
Comment: PP3

Literature cited by the submitters: PubMed 36394275 (cited by Mayo Clinic Laboratories, Mayo Clinic).